The following is an entry in ClinVar:

ClinVar aggregate classification (germline): Likely benign (1 of 4 stars; one submission).

Allele frequency attached by ClinVar (database versions not stated): ESP Exome Variant Server 0.00015; TOPMed 0.00021; gnomAD 0.00027.
gnomAD v4.1: 422 of 1,613,668 alleles (0.026%); highest among the groups gnomAD compares: Middle Eastern, 0.033%; no homozygotes.

Submission:

CeGaT Center for Human Genetics Tuebingen
Classification: Likely benign. Last evaluated: 2025-01-01. Review status: criteria provided, single submitter. Criteria: CeGaT Center For Human Genetics Tuebingen Variant Classification Criteria Version 2. Collection method: clinical testing. Allele origin: germline. Affected: yes. Observed: 3 variant alleles.
Comment: RFC1: BP4, BP7

NM_002913.5(RFC1):c.750G>A (p.Thr250=)

Gene: RFC1 (replication factor C subunit 1; minus strand). Cytogenetic location: 4p14.
Variant type: single nucleotide variant.
Coding change: c.750G>A on transcript NM_002913.5 (MANE Select); coding-DNA position 750, G replaced by A.
Protein change: p.Thr250=; no amino-acid change (threonine 250 retained).
Molecular consequence: synonymous variant.
Genome position (GRCh38, 1-based): chr4:39,321,345, C>T on the plus strand (G>A on the coding strand, the complement: RFC1 is on the minus strand). VCF-style: chr4-39321345-C-T. GRCh37 (hg19) VCF-style: chr4-39322965-C-T.
Other names: c.750G>A, p.Thr250= (NM_001204747.2); c.672G>A, p.Thr224= (NM_001363495.2, NM_001363496.2).
Identifiers: ClinVar variation 2654729 (VCV002654729.24), dbSNP rs142846941, ClinGen allele CA2893318.